The following is an entry in ClinVar:

ClinVar aggregate classification (germline): Uncertain significance (1 of 4 stars; one submission).

Allele frequency attached by ClinVar (database versions not stated): gnomAD exomes below 0.00001; TOPMed 0.00001.
gnomAD v4.1: 3 of 1,611,444 alleles (0.00019%); highest among the groups gnomAD compares: African/African-American, 0.0013%; no homozygotes.

Submission:

Labcorp Genetics (formerly Invitae), Labcorp
Classification: Uncertain significance. Last evaluated: 2021-09-17. Review status: criteria provided, single submitter. Criteria: Invitae Variant Classification Sherloc (09022015). Collection method: clinical testing. Allele origin: germline.
Comment: In summary, the available evidence is currently insufficient to determine the role of this variant in disease. Therefore, it has been classified as a Variant of Uncertain Significance. Algorithms developed to predict the effect of missense changes on protein structure and function are either unavailable or do not agree on the potential impact of this missense change (SIFT: "Tolerated"; PolyPhen-2: "Probably Damaging"; Align-GVGD: "Class C0"). This variant has not been reported in the literature in individuals affected with SOX10-related conditions. This variant is not present in population databases (ExAC no frequency). This sequence change replaces glycine with arginine at codon 181 of the SOX10 protein (p.Gly181Arg). The glycine residue is highly conserved and there is a moderate physicochemical difference between glycine and arginine.

NM_006941.4(SOX10):c.541G>A (p.Gly181Arg)

Genes: POLR2F (RNA polymerase II, I and III subunit F; plus strand), SOX10 (SRY-box transcription factor 10; minus strand). Cytogenetic location: 22q13.1.
Variant type: single nucleotide variant.
Coding change: c.541G>A on transcript NM_006941.4 (MANE Select); coding-DNA position 541, G replaced by A.
Protein change: p.Gly181Arg; replaces glycine 181 with arginine.
Molecular consequence: missense variant. On other transcripts: intron variant (3).
Genome position (GRCh38, 1-based): chr22:37,978,023, C>T on the plus strand (G>A on the coding strand, the complement: SOX10 is on the minus strand). VCF-style: chr22-37978023-C-T. GRCh37 (hg19) VCF-style: chr22-38374030-C-T.
Other names: c.*38+5713C>T (NM_001363825.1); c.294-8131C>T (NM_001301130.2); c.293+10853C>T (NM_001301131.2); short protein forms G181R.
Identifiers: ClinVar variation 1446933 (VCV001446933.6), dbSNP rs772887957, ClinGen allele CA324163691.